The following is an entry in ClinVar:

GRCh37/hg19 1p36.13(chr1:17284531-17770100)x1

Genes: ATP13A2 (ATPase cation transporting 13A2; minus strand), CROCC (ciliary rootlet coiled-coil, rootletin; plus strand), MFAP2 (microfibril associated protein 2; minus strand), PADI1 (peptidyl arginine deiminase 1; plus strand), PADI2 (peptidyl arginine deiminase 2; minus strand) and 5 more. Cytogenetic location: 1p36.13.
Variant type: copy number loss.
Change: copy number 1 (one copy instead of two) of chr1:17,284,531-17,770,100 (485.6 kb, GRCh37 coordinates, 1-based), cytogenetic band 1p36.13.
Identifiers: ClinVar variation 1341268 (VCV001341268.1).

ClinVar aggregate classification (germline): Pathogenic (0 of 4 stars; one submission).

Submission:

Quest Diagnostics Nichols Institute San Juan Capistrano
Classification: Pathogenic. Last evaluated: 2020-08-06. Review status: no assertion criteria provided. Collection method: clinical testing. Allele origin: germline.
Comment: The copy number loss of 1p36.13p36.12 is expected to cause phenotypic and/or developmental abnormalities. It partially overlaps the proximal region associated with the 1p36 deletion syndrome (OMIM 607872). Furthermore, haploinsufficiency of SDHB via partial or entire gene deletions and loss-of-function sequence variants has been associated with autosomal dominant paragangliomas-4 (OMIM 115310) or pheochromocytoma (OMIM 171300). Reduced penetrance of SDHB pathogenic variants has been suggested as 25-40% (Yehia et al., Am J Hum Genet. 2015 Nov 5;97(5):661-76. PMID: 26522472; Schiavi et al., Hum Mutat. 2010 Jun;31(6):761-2. PMID: 20513144; Ricketts et al., Hum Mutat. 2010 Jan;31(1):41-51. PMID: 19802898). There are no similar copy number losses of this region in the general populations of the Database of Genomic Variants. Thus, based on literature review and gene content, this copy number loss is interpreted as pathogenic.